The following is an entry in ClinVar:

NM_014049.5(ACAD9):c.453+305_453+307dup

Gene: ACAD9 (acyl-CoA dehydrogenase family member 9; plus strand). Cytogenetic location: 3q21.3.
Variant type: Duplication.
Coding change: c.453+305_453+307dup on transcript NM_014049.5 (MANE Select); bases 305 to 307 of the intron after coding-DNA position 453, 3 bases duplicated (CTC; older notation c.453+305_453+307dupCTC).
Molecular consequence: intron variant.
Genome position (GRCh38, 1-based): chr3:128,895,721-128,895,723, CTC duplicated. VCF-style (leftmost placement, unchanged base first): chr3-128895720-T-TCTC. GRCh37 (hg19) VCF-style: chr3-128614563-T-TCTC.
Identifiers: ClinVar variation 673569 (VCV000673569.1), dbSNP rs35399456, ClinGen allele CA82525922.

ClinVar aggregate classification (germline): Benign (1 of 4 stars; one submission).

Allele frequency attached by ClinVar (database versions not stated): gnomAD 0.58379 and 0.58572; TOPMed 0.60832; 1000 Genomes Project 0.65875; 1000 Genomes Project 30x 0.66224.

Submission:

GeneDx
Classification: Benign. Last evaluated: 2018-06-16. Review status: criteria provided, single submitter. Criteria: GeneDx Variant Classification (06012015). Collection method: clinical testing. Allele origin: germline. Affected: yes.
Comment: This variant is considered likely benign or benign based on one or more of the following criteria: it is a conservative change, it occurs at a poorly conserved position in the protein, it is predicted to be benign by multiple in silico algorithms, and/or has population frequency not consistent with disease.